The following is an entry in ClinVar:

ClinVar aggregate classification (germline): Uncertain significance. Review status: criteria provided, multiple submitters, no conflicts (2 of 4 stars). 3 submissions from 3 submitters: Uncertain significance (3). Last evaluated 2025-08-12.

Conditions:
FAT1-related disorder. Also called: FAT1-related condition.

Allele frequency attached by ClinVar (database versions not stated): TOPMed 0.00004; gnomAD 0.00006; ESP Exome Variant Server 0.00008; 1000 Genomes Project 30x 0.00016; 1000 Genomes Project 0.00020.
gnomAD v4.1: 43 of 1,613,914 alleles (0.0027%); highest among the groups gnomAD compares: Middle Eastern, 0.016%; no homozygotes.

Submissions (3):

PreventionGenetics, part of Exact Sciences
Classification: Uncertain significance for FAT1-related condition. Last evaluated: 2025-08-12. Review status: criteria provided, single submitter. Criteria: ACMG Guidelines, 2015. Collection method: clinical testing. Allele origin: germline.
Comment: The FAT1 c.7014C>A variant is predicted to result in the amino acid substitution p.Ser2338Arg. This variant has been reported along with a second FAT1 variant, c.9320G>T (p.Cys3107Phe), in an individual with congenital anomalies of kidney and urinary tract (CAKUT); both variants were maternally inherited and are therefore present on the same allele (i.e. in cis) however, no additional information was provided regarding the phenotypic status of the mother (Supplemental Table 5, Bekheirnia et al. 2021. PubMed ID: 35368817). This variant is reported in 0.0085% of alleles in individuals of Latino descent in gnomAD. At this time, the clinical significance of this variant is uncertain due to the absence of conclusive functional and genetic evidence.

Labcorp Genetics (formerly Invitae), Labcorp
Classification: Uncertain significance. Last evaluated: 2022-10-13. Review status: criteria provided, single submitter. Criteria: Invitae Variant Classification Sherloc (09022015). Collection method: clinical testing. Allele origin: germline.
Comment: This sequence change replaces serine, which is neutral and polar, with arginine, which is basic and polar, at codon 2338 of the FAT1 protein (p.Ser2338Arg). This variant is present in population databases (rs192720031, gnomAD 0.009%). This variant has not been reported in the literature in individuals affected with FAT1-related conditions. ClinVar contains an entry for this variant (Variation ID: 1308465). Advanced modeling of protein sequence and biophysical properties (such as structural, functional, and spatial information, amino acid conservation, physicochemical variation, residue mobility, and thermodynamic stability) performed at Invitae indicates that this missense variant is expected to disrupt FAT1 protein function. In summary, the available evidence is currently insufficient to determine the role of this variant in disease. Therefore, it has been classified as a Variant of Uncertain Significance.

GeneDx
Classification: Uncertain significance. Last evaluated: 2019-03-30. Review status: criteria provided, single submitter. Criteria: GeneDx Variant Classification Process June 2021. Collection method: clinical testing. Allele origin: germline. Affected: yes.
Comment: In silico analysis, which includes protein predictors and evolutionary conservation, supports that this variant does not alter protein structure/function; Has not been previously published as pathogenic or benign to our knowledge; Variants in candidate genes are classified as variants of uncertain significance in accordance with ACMG guidelines (Richards et al., 2015)

NM_005245.4(FAT1):c.7014C>A (p.Ser2338Arg)

Gene: FAT1 (FAT atypical cadherin 1; minus strand). Cytogenetic location: 4q35.2.
Variant type: single nucleotide variant.
Coding change: c.7014C>A on transcript NM_005245.4 (MANE Select); coding-DNA position 7014, C replaced by A.
Protein change: p.Ser2338Arg; replaces serine 2338 with arginine.
Molecular consequence: missense variant.
Genome position (GRCh38, 1-based): chr4:186,619,572, G>T on the plus strand (C>A on the coding strand, the complement: FAT1 is on the minus strand). VCF-style: chr4-186619572-G-T. GRCh37 (hg19) VCF-style: chr4-187540726-G-T.
Other names: short protein forms S2338R.
Identifiers: ClinVar variation 1308465 (VCV001308465.7), dbSNP rs192720031, ClinGen allele CA112156360.
Genomic context (GRCh38, chr4:186,619,572, plus strand): 5'-AATCGTGTGCTGCCGGGACTGCTCGTAATCCAGGGTTCTGAGTAGTGAGATGAGGCCAGT[G>T]CTGCTGTCTACATGAAAATGATCATGACTCTTGCTGTGATTCCCAAACATCTGGTATGAG-3'
Protein context (NP_005236.2, residues 2328-2348): KSHDHFHVDS[Ser2338Arg]TGLISLLRTL